The following is an entry in ClinVar:

NM_007186.6(CEP250):c.3628G>A (p.Ala1210Thr)

Gene: CEP250 (centrosomal protein 250; plus strand). Cytogenetic location: 20q11.22.
Variant type: single nucleotide variant.
Coding change: c.3628G>A on transcript NM_007186.6 (MANE Select); coding-DNA position 3628, G replaced by A.
Protein change: p.Ala1210Thr; replaces alanine 1210 with threonine.
Molecular consequence: missense variant.
Genome position (GRCh38, 1-based): chr20:35,498,040, G>A. VCF-style: chr20-35498040-G-A. GRCh37 (hg19) VCF-style: chr20-34085869-G-A.
Other names: c.1732G>A, p.Ala578Thr (NM_001318219.1); c.3628G>A (NM_007186.3); short protein forms A1210T, A578T.
Identifiers: ClinVar variation 1465992 (VCV001465992.6), dbSNP rs750270883, ClinGen allele CA9833507.
Genomic context (GRCh38, chr20:35,498,040, plus strand): 5'-CAGCAGGCCCTGGGGTCTGTTTGTGAGAGCAGGCCTGAGCTGAGTGGTGGGGGAGACTCT[G>A]CTCCTTCCGTCTGGGGCCTTGAGCCAGGTGAGACAGCCTCCCCAGAACTAGGTCCTTTGG-3'
Protein context (NP_009117.2, residues 1200-1220): RPELSGGGDS[Ala1210Thr]PSVWGLEPDQ

ClinVar aggregate classification (germline): Uncertain significance. Review status: criteria provided, multiple submitters, no conflicts (2 of 4 stars). 2 submissions from 2 submitters: Uncertain significance (2). Last evaluated 2024-10-16.

Allele frequency attached by ClinVar (database versions not stated): ExAC 0.00001; gnomAD 0.00001; gnomAD exomes 0.00001; TOPMed 0.00003.
gnomAD v4.1: 4 of 1,589,134 alleles (0.00025%); highest among the groups gnomAD compares: Admixed American, 0.0069%; no homozygotes.

Submissions (2):

Labcorp Genetics (formerly Invitae), Labcorp
Classification: Uncertain significance. Last evaluated: 2024-10-16. Review status: criteria provided, single submitter. Criteria: Invitae Variant Classification Sherloc (09022015). Collection method: clinical testing. Allele origin: germline.
Comment: This sequence change replaces alanine, which is neutral and non-polar, with threonine, which is neutral and polar, at codon 1210 of the CEP250 protein (p.Ala1210Thr). The frequency data for this variant in the population databases is considered unreliable, as metrics indicate poor data quality at this position in the gnomAD database. This variant has not been reported in the literature in individuals affected with CEP250-related conditions. ClinVar contains an entry for this variant (Variation ID: 1465992). An algorithm developed to predict the effect of missense changes on protein structure and function (PolyPhen-2) suggests that this variant is likely to be disruptive. In summary, the available evidence is currently insufficient to determine the role of this variant in disease. Therefore, it has been classified as a Variant of Uncertain Significance.

Ambry Genetics
Classification: Uncertain significance. Last evaluated: 2022-06-24. Review status: criteria provided, single submitter. Criteria: Ambry Variant Classification Scheme 2023. Collection method: clinical testing. Allele origin: germline.